The following is an entry in ClinVar:

NM_002860.4(ALDH18A1):c.2278A>G (p.Thr760Ala)

Gene: ALDH18A1 (aldehyde dehydrogenase 18 family member A1; minus strand). Cytogenetic location: 10q24.1.
Variant type: single nucleotide variant.
Coding change: c.2278A>G on transcript NM_002860.4 (MANE Select); coding-DNA position 2278, A replaced by G.
Protein change: p.Thr760Ala; replaces threonine 760 with alanine.
Molecular consequence: missense variant.
Genome position (GRCh38, 1-based): chr10:95,606,872, T>C on the plus strand (A>G on the coding strand, the complement: ALDH18A1 is on the minus strand). VCF-style: chr10-95606872-T-C. GRCh37 (hg19) VCF-style: chr10-97366629-T-C.
Other names: c.2272A>G, p.Thr758Ala (NM_001017423.2, NM_001323415.2); c.1945A>G, p.Thr649Ala (NM_001323412.2, NM_001323416.2); c.2278A>G, p.Thr760Ala (NM_001323413.2, NM_001323414.2); c.2278A>G (NM_002860.3); c.2173A>G, p.Thr725Ala (NM_001323417.2); c.1939A>G, p.Thr647Ala (NM_001323418.2); c.1642A>G, p.Thr548Ala (NM_001323419.2); short protein forms T725A, T760A, T548A, T647A, T758A, T649A.
Identifiers: ClinVar variation 1898433 (VCV001898433.6), dbSNP rs755019667, ClinGen allele CA5620091.

ClinVar aggregate classification (germline): Uncertain significance. Review status: criteria provided, multiple submitters, no conflicts (2 of 4 stars). 2 submissions from 2 submitters: Uncertain significance (2). Last evaluated 2024-02-17.

Conditions:
Inborn genetic diseases. Identifiers: MedGen C0950123, MeSH D030342.
Autosomal dominant spastic paraplegia type 9. Identifiers: MedGen C1832669, MONDO:0015091.
Cutis laxa, autosomal dominant 3 (ADCL3). Identifiers: Orphanet 90348, MedGen C4225268, MONDO:0014706, OMIM 616603.
de Barsy syndrome. Also called: Cutis laxa-corneal clouding-oligophrenia syndrome. Identifiers: Orphanet 2962, MedGen C0268354, MONDO:0017569.

Allele frequency attached by ClinVar (database versions not stated): TOPMed below 0.00001; ExAC 0.00001; gnomAD 0.00001.
gnomAD v4.1: 5 of 1,614,190 alleles (0.00031%); highest among the groups gnomAD compares: Admixed American, 0.0083%; no homozygotes.

Submissions (2):

Ambry Genetics
Classification: Uncertain significance for Inborn genetic diseases. Last evaluated: 2024-02-17. Review status: criteria provided, single submitter. Criteria: Ambry Variant Classification Scheme 2023. Collection method: clinical testing. Allele origin: germline.

Labcorp Genetics (formerly Invitae), Labcorp
Classification: Uncertain significance for Autosomal dominant spastic paraplegia type 9; de Barsy syndrome; Cutis laxa, autosomal dominant 3. Last evaluated: 2022-06-16. Review status: criteria provided, single submitter. Criteria: Invitae Variant Classification Sherloc (09022015). Collection method: clinical testing. Allele origin: germline.
Comment: In summary, the available evidence is currently insufficient to determine the role of this variant in disease. Therefore, it has been classified as a Variant of Uncertain Significance. Algorithms developed to predict the effect of missense changes on protein structure and function (SIFT, PolyPhen-2, Align-GVGD) all suggest that this variant is likely to be tolerated. This variant has not been reported in the literature in individuals affected with ALDH18A1-related conditions. This variant is present in population databases (rs755019667, gnomAD 0.009%). This sequence change replaces threonine, which is neutral and polar, with alanine, which is neutral and non-polar, at codon 760 of the ALDH18A1 protein (p.Thr760Ala).